The following is an entry in ClinVar:

ClinVar aggregate classification (germline): Uncertain significance (1 of 4 stars; one submission).

Allele frequency attached by ClinVar (database versions not stated): gnomAD exomes 0.00001.
gnomAD v4.1: 17 of 1,614,194 alleles (0.0011%); highest among the groups gnomAD compares: Non-Finnish European, 0.0014%; no homozygotes.

Submission:

Labcorp Genetics (formerly Invitae), Labcorp
Classification: Uncertain significance. Last evaluated: 2022-09-14. Review status: criteria provided, single submitter. Criteria: Invitae Variant Classification Sherloc (09022015). Collection method: clinical testing. Allele origin: germline.
Comment: This variant is present in population databases (no rsID available, gnomAD 0.0009%). This variant has not been reported in the literature in individuals affected with AXL-related conditions. Advanced modeling of protein sequence and biophysical properties (such as structural, functional, and spatial information, amino acid conservation, physicochemical variation, residue mobility, and thermodynamic stability) performed at Invitae indicates that this missense variant is expected to disrupt AXL protein function. In summary, the available evidence is currently insufficient to determine the role of this variant in disease. Therefore, it has been classified as a Variant of Uncertain Significance. This sequence change replaces alanine, which is neutral and non-polar, with threonine, which is neutral and polar, at codon 709 of the AXL protein (p.Ala709Thr).

NM_021913.5(AXL):c.2125G>A (p.Ala709Thr)

Gene: AXL (AXL receptor tyrosine kinase; plus strand). Cytogenetic location: 19q13.2.
Variant type: single nucleotide variant.
Coding change: c.2125G>A on transcript NM_021913.5 (MANE Select); coding-DNA position 2125, G replaced by A.
Protein change: p.Ala709Thr; replaces alanine 709 with threonine.
Molecular consequence: missense variant.
Genome position (GRCh38, 1-based): chr19:41,256,540, G>A. VCF-style: chr19-41256540-G-A. GRCh37 (hg19) VCF-style: chr19-41762445-G-A.
Other names: c.1321G>A, p.Ala441Thr (NM_001278599.2); c.2098G>A, p.Ala700Thr (NM_001699.6); short protein forms A709T, A441T, A700T.
Identifiers: ClinVar variation 1949689 (VCV001949689.5), dbSNP rs1159339376, ClinGen allele CA405999742.
Genomic context (GRCh38, chr19:41,256,540, plus strand): 5'-GCGGACTTCGGGCTCTCCAAGAAGATCTACAATGGGGACTACTACCGCCAGGGACGTATC[G>A]CCAAGATGCCAGTCAAGTGGATTGCCATTGAGAGTCTAGCTGACCGTGTCTACACCAGCA-3'
Protein context (NP_068713.2, residues 699-719): NGDYYRQGRI[Ala709Thr]KMPVKWIAIE